The following is an entry in ClinVar:

ClinVar aggregate classification (germline): Uncertain significance (1 of 4 stars; one submission).

Conditions:
Colorectal cancer, hereditary nonpolyposis, type 7. Identifiers: Orphanet 144, MedGen C1858380, MONDO:0013725, OMIM 614385.

Submission:

Labcorp Genetics (formerly Invitae), Labcorp
Classification: Uncertain significance for Colorectal cancer, hereditary nonpolyposis, type 7. Last evaluated: 2023-01-14. Review status: criteria provided, single submitter. Criteria: Invitae Variant Classification Sherloc (09022015). Collection method: clinical testing. Allele origin: germline.
Comment: In summary, the available evidence is currently insufficient to determine the role of this variant in disease. Therefore, it has been classified as a Variant of Uncertain Significance. Algorithms developed to predict the effect of missense changes on protein structure and function (SIFT, PolyPhen-2, Align-GVGD) all suggest that this variant is likely to be tolerated. This variant has not been reported in the literature in individuals affected with MLH3-related conditions. This variant is not present in population databases (gnomAD no frequency). This sequence change replaces phenylalanine, which is neutral and non-polar, with valine, which is neutral and non-polar, at codon 518 of the MLH3 protein (p.Phe518Val).

NM_001040108.2(MLH3):c.1552T>G (p.Phe518Val)

Gene: MLH3 (mutL homolog 3; minus strand). Cytogenetic location: 14q24.3.
Variant type: single nucleotide variant.
Coding change: c.1552T>G on transcript NM_001040108.2 (MANE Select); coding-DNA position 1552, T replaced by G.
Protein change: p.Phe518Val; replaces phenylalanine 518 with valine.
Molecular consequence: missense variant.
Genome position (GRCh38, 1-based): chr14:75,048,104, A>C on the plus strand (T>G on the coding strand, the complement: MLH3 is on the minus strand). VCF-style: chr14-75048104-A-C. GRCh37 (hg19) VCF-style: chr14-75514807-A-C.
Other names: c.1552T>G, p.Phe518Val (NM_014381.3); short protein forms F518V.
Identifiers: ClinVar variation 2828532 (VCV002828532.3), dbSNP rs2503292443, ClinGen allele CA390445103.